The following is an entry in ClinVar:

NM_003072.5(SMARCA4):c.626C>G (p.Pro209Arg)

Gene: SMARCA4 (SWI/SNF related BAF chromatin remodeling complex subunit ATPase 4; plus strand). Cytogenetic location: 19p13.2.
Variant type: single nucleotide variant.
Coding change: c.626C>G on transcript NM_003072.5 (MANE Select); coding-DNA position 626, C replaced by G.
Protein change: p.Pro209Arg; replaces proline 209 with arginine.
Molecular consequence: missense variant. On other transcripts: non-coding transcript variant (1).
Genome position (GRCh38, 1-based): chr19:10,986,459, C>G. VCF-style: chr19-10986459-C-G. GRCh37 (hg19) VCF-style: chr19-11097135-C-G.
Other names: c.626C>G, p.Pro209Arg (NM_001128844.3, NM_001128845.2, NM_001128846.2 and 5 more transcripts); short protein forms P209R.
Identifiers: ClinVar variation 1379788 (VCV001379788.8), dbSNP rs778071122, ClinGen allele CA404056642.

ClinVar aggregate classification (germline): Uncertain significance (1 of 4 stars; one submission).

Conditions:
Rhabdoid tumor predisposition syndrome 2 (RTPS2). Identifiers: Orphanet 231108, Orphanet 69077, MedGen C2750074, MONDO:0013224, OMIM 613325.

Submission:

Labcorp Genetics (formerly Invitae), Labcorp
Classification: Uncertain significance for Rhabdoid tumor predisposition syndrome 2. Last evaluated: 2025-12-13. Review status: criteria provided, single submitter. Criteria: Invitae Variant Classification Sherloc (09022015). Collection method: clinical testing. Allele origin: germline.
Comment: This sequence change replaces proline, which is neutral and non-polar, with arginine, which is basic and polar, at codon 209 of the SMARCA4 protein (p.Pro209Arg). This variant is not present in population databases (gnomAD no frequency). This variant has not been reported in the literature in individuals affected with SMARCA4-related conditions. ClinVar contains an entry for this variant (Variation ID: 1379788). Invitae Evidence Modeling of protein sequence and biophysical properties (such as structural, functional, and spatial information, amino acid conservation, physicochemical variation, residue mobility, and thermodynamic stability) indicates that this missense variant is not expected to disrupt SMARCA4 protein function with a negative predictive value of 95%. In summary, the available evidence is currently insufficient to determine the role of this variant in disease. Therefore, it has been classified as a Variant of Uncertain Significance.